The following is an entry in ClinVar:

NM_001347721.2(DYRK1A):c.128G>C (p.Arg43Pro)

Gene: DYRK1A (dual specificity tyrosine phosphorylation regulated kinase 1A; plus strand). Cytogenetic location: 21q22.13.
Variant type: single nucleotide variant.
Coding change: c.128G>C on transcript NM_001347721.2 (MANE Select); coding-DNA position 128, G replaced by C.
Protein change: p.Arg43Pro; replaces arginine 43 with proline.
Molecular consequence: missense variant.
Genome position (GRCh38, 1-based): chr21:37,472,801, G>C. VCF-style: chr21-37472801-G-C. GRCh37 (hg19) VCF-style: chr21-38845103-G-C.
Other names: c.128G>C, p.Arg43Pro (NM_001347722.2, NM_001396.5, NM_101395.2 and 2 more transcripts); c.41G>C, p.Arg14Pro (NM_001347723.2); short protein forms R14P, R43P.
Identifiers: ClinVar variation 2700538 (VCV002700538.3), dbSNP rs750600368, ClinGen allele CA409942556.

ClinVar aggregate classification (germline): Uncertain significance (1 of 4 stars; one submission).

Conditions:
DYRK1A-related intellectual disability syndrome (MRD7). Also called: Intellectual developmental disorder, autosomal dominant 7; DYRK1A Syndrome. Identifiers: Orphanet 464306, MedGen C5568143, MONDO:0013578, OMIM 614104.

Submission:

Labcorp Genetics (formerly Invitae), Labcorp
Classification: Uncertain significance for DYRK1A-related intellectual disability syndrome. Last evaluated: 2023-12-02. Review status: criteria provided, single submitter. Criteria: Invitae Variant Classification Sherloc (09022015). Collection method: clinical testing. Allele origin: germline.
Comment: This sequence change replaces arginine, which is basic and polar, with proline, which is neutral and non-polar, at codon 43 of the DYRK1A protein (p.Arg43Pro). This variant is not present in population databases (gnomAD no frequency). This variant has not been reported in the literature in individuals affected with DYRK1A-related conditions. Advanced modeling of protein sequence and biophysical properties (such as structural, functional, and spatial information, amino acid conservation, physicochemical variation, residue mobility, and thermodynamic stability) performed at Invitae indicates that this missense variant is not expected to disrupt DYRK1A protein function with a negative predictive value of 95%. In summary, the available evidence is currently insufficient to determine the role of this variant in disease. Therefore, it has been classified as a Variant of Uncertain Significance.